The following is an entry in ClinVar:

ClinVar aggregate classification (germline): Conflicting classifications of pathogenicity. Review status: criteria provided, conflicting classifications (1 of 4 stars). 2 submissions from 2 submitters: Uncertain significance (1); Likely benign (1). Last evaluated 2023-11-24.

Conditions:
HYPERHOMOCYSTEINEMIA, THROMBOTIC, CBS-RELATED. Identifiers: MedGen C3150344, OMIM 236200.

Allele frequency attached by ClinVar (database versions not stated): ExAC 0.00002; gnomAD exomes 0.00001.

Submissions (2):

Labcorp Genetics (formerly Invitae), Labcorp
Classification: Uncertain significance for HYPERHOMOCYSTEINEMIA, THROMBOTIC, CBS-RELATED. Last evaluated: 2023-11-24. Review status: criteria provided, single submitter. Criteria: Invitae Variant Classification Sherloc (09022015). Collection method: clinical testing. Allele origin: germline.
Comment: This sequence change falls in intron 9 of the CBS gene. It does not directly change the encoded amino acid sequence of the CBS protein. It affects a nucleotide within the consensus splice site. This variant is present in population databases (rs780624117, gnomAD 0.002%). This variant has not been reported in the literature in individuals affected with CBS-related conditions. ClinVar contains an entry for this variant (Variation ID: 390492). Variants that disrupt the consensus splice site are a relatively common cause of aberrant splicing (PMID: 17576681, 9536098). Algorithms developed to predict the effect of sequence changes on RNA splicing suggest that this variant is not likely to affect RNA splicing. In summary, the available evidence is currently insufficient to determine the role of this variant in disease. Therefore, it has been classified as a Variant of Uncertain Significance.

GeneDx
Classification: Likely benign. Last evaluated: 2016-11-04. Review status: criteria provided, single submitter. Criteria: GeneDx Variant Classification (06012015). Collection method: clinical testing. Allele origin: germline. Affected: yes.
Comment: This variant is considered likely benign or benign based on one or more of the following criteria: it is a conservative change, it occurs at a poorly conserved position in the protein, it is predicted to be benign by multiple in silico algorithms, and/or has population frequency not consistent with disease.

Literature cited by the submitters: PubMed 17576681 (cited by Labcorp Genetics (formerly Invitae), Labcorp); PubMed 9536098 (cited by Labcorp Genetics (formerly Invitae), Labcorp).

NM_000071.3(CBS):c.829-3C>T

Gene: CBS (cystathionine beta-synthase; minus strand). Cytogenetic location: 21q22.3.
Variant type: single nucleotide variant.
Coding change: c.829-3C>T on transcript NM_000071.3 (MANE Select); 3 bases into the intron before coding-DNA position 829, C replaced by T.
Molecular consequence: intron variant.
Genome position (GRCh38, 1-based): chr21:43,063,081, G>A on the plus strand (C>T on the coding strand, the complement: CBS is on the minus strand). VCF-style: chr21-43063081-G-A. GRCh37 (hg19) VCF-style: chr21-44483191-G-A.
Other names: c.829-3C>T (NM_001320298.2, NM_001178009.3, NM_001178008.3); c.514-3C>T (NM_001321072.1).
Identifiers: ClinVar variation 390492 (VCV000390492.3), dbSNP rs780624117, ClinGen allele CA16609064.